The following is an entry in ClinVar:

ClinVar aggregate classification (germline): Conflicting classifications of pathogenicity. Review status: criteria provided, conflicting classifications (1 of 4 stars). 2 submissions from 2 submitters: Uncertain significance (1); Likely benign (1). Last evaluated 2025-09-09.

Conditions:
Inborn genetic diseases. Identifiers: MedGen C0950123, MeSH D030342.

Allele frequency attached by ClinVar (database versions not stated): ExAC 0.00001; gnomAD 0.00002 and 0.00003; gnomAD exomes 0.00002; TOPMed 0.00004.
gnomAD v4.1: 51 of 1,614,048 alleles (0.0032%); highest among the groups gnomAD compares: Middle Eastern, 0.049%; no homozygotes.

Submissions (2):

Labcorp Genetics (formerly Invitae), Labcorp
Classification: Uncertain significance. Last evaluated: 2025-09-09. Review status: criteria provided, single submitter. Criteria: Invitae Variant Classification Sherloc (09022015). Collection method: clinical testing. Allele origin: germline.
Comment: This sequence change replaces isoleucine, which is neutral and non-polar, with threonine, which is neutral and polar, at codon 190 of the FERMT1 protein (p.Ile190Thr). This variant is present in population databases (rs751558324, gnomAD 0.003%). This variant has not been reported in the literature in individuals affected with FERMT1-related conditions. ClinVar contains an entry for this variant (Variation ID: 1443492). An algorithm developed to predict the effect of missense changes on protein structure and function outputs the following: PolyPhen-2: "Benign". The threonine amino acid residue is found in multiple mammalian species, which suggests that this missense change does not adversely affect protein function. In summary, the available evidence is currently insufficient to determine the role of this variant in disease. Therefore, it has been classified as a Variant of Uncertain Significance.

Ambry Genetics
Classification: Likely benign for Inborn genetic diseases. Last evaluated: 2025-04-01. Review status: criteria provided, single submitter. Criteria: Ambry Variant Classification Scheme 2023. Collection method: clinical testing. Allele origin: germline.

NM_017671.5(FERMT1):c.569T>C (p.Ile190Thr)

Gene: FERMT1 (FERM domain containing kindlin 1; minus strand). Cytogenetic location: 20p12.3.
Variant type: single nucleotide variant.
Coding change: c.569T>C on transcript NM_017671.5 (MANE Select); coding-DNA position 569, T replaced by C.
Protein change: p.Ile190Thr; replaces isoleucine 190 with threonine.
Molecular consequence: missense variant.
Genome position (GRCh38, 1-based): chr20:6,110,475, A>G on the plus strand (T>C on the coding strand, the complement: FERMT1 is on the minus strand). VCF-style: chr20-6110475-A-G. GRCh37 (hg19) VCF-style: chr20-6091122-A-G.
Other names: c.569T>C (NM_017671.4); short protein forms I190T.
Identifiers: ClinVar variation 1443492 (VCV001443492.7), dbSNP rs751558324, ClinGen allele CA9758423.